The following is an entry in ClinVar:

NM_001042545.2(LTBP4):c.4370C>T (p.Ser1457Phe)

Gene: LTBP4 (latent transforming growth factor beta binding protein 4; plus strand). Cytogenetic location: 19q13.2.
Variant type: single nucleotide variant.
Coding change: c.4370C>T on transcript NM_001042545.2 (MANE Select); coding-DNA position 4370, C replaced by T.
Protein change: p.Ser1457Phe; replaces serine 1457 with phenylalanine.
Molecular consequence: missense variant.
Genome position (GRCh38, 1-based): chr19:40,627,708, C>T. VCF-style: chr19-40627708-C-T. GRCh37 (hg19) VCF-style: chr19-41133613-C-T.
Other names: c.4571C>T, p.Ser1524Phe (NM_001042544.1); c.4460C>T, p.Ser1487Phe (NM_003573.2); short protein forms S1487F, S1457F, S1524F.
Identifiers: ClinVar variation 1983080 (VCV001983080.4), dbSNP rs2081646320, ClinGen allele CA405912301.

ClinVar aggregate classification (germline): Uncertain significance (1 of 4 stars; one submission).

Allele frequency attached by ClinVar (database versions not stated): gnomAD 0.00001.
gnomAD v4.1: 3 of 1,592,048 alleles (0.00019%); highest among the groups gnomAD compares: African/African-American, 0.0013%; no homozygotes.

Submission:

Labcorp Genetics (formerly Invitae), Labcorp
Classification: Uncertain significance. Last evaluated: 2022-08-09. Review status: criteria provided, single submitter. Criteria: Invitae Variant Classification Sherloc (09022015). Collection method: clinical testing. Allele origin: germline.
Comment: In summary, the available evidence is currently insufficient to determine the role of this variant in disease. Therefore, it has been classified as a Variant of Uncertain Significance. Experimental studies and prediction algorithms are not available or were not evaluated, and the functional significance of this variant is currently unknown. This variant has not been reported in the literature in individuals affected with LTBP4-related conditions. This variant is not present in population databases (gnomAD no frequency). This sequence change replaces serine, which is neutral and polar, with phenylalanine, which is neutral and non-polar, at codon 1487 of the LTBP4 protein (p.Ser1487Phe).